The following is an entry in ClinVar:

ClinVar aggregate classification (germline): Uncertain significance (1 of 4 stars; one submission).

Submission:

Labcorp Genetics (formerly Invitae), Labcorp
Classification: Uncertain significance. Last evaluated: 2025-11-12. Review status: criteria provided, single submitter. Criteria: Invitae Variant Classification Sherloc (09022015). Collection method: clinical testing. Allele origin: germline.
Comment: This sequence change replaces methionine, which is neutral and non-polar, with isoleucine, which is neutral and non-polar, at codon 298 of the OSGEP protein (p.Met298Ile). This variant is not present in population databases (gnomAD no frequency). This variant has not been reported in the literature in individuals affected with OSGEP-related conditions. Invitae Evidence Modeling of protein sequence and biophysical properties (such as structural, functional, and spatial information, amino acid conservation, physicochemical variation, residue mobility, and thermodynamic stability) indicates that this missense variant is expected to disrupt OSGEP protein function with a positive predictive value of 80%. In summary, the available evidence is currently insufficient to determine the role of this variant in disease. Therefore, it has been classified as a Variant of Uncertain Significance.

NM_017807.4(OSGEP):c.894G>A (p.Met298Ile)

Gene: OSGEP (O-sialoglycoprotein endopeptidase; minus strand). Cytogenetic location: 14q11.2.
Variant type: single nucleotide variant.
Coding change: c.894G>A on transcript NM_017807.4 (MANE Select); coding-DNA position 894, G replaced by A.
Protein change: p.Met298Ile; replaces methionine 298 with isoleucine.
Molecular consequence: missense variant.
Genome position (GRCh38, 1-based): chr14:20,447,496, C>T on the plus strand (G>A on the coding strand, the complement: OSGEP is on the minus strand). VCF-style: chr14-20447496-C-T. GRCh37 (hg19) VCF-style: chr14-20915655-C-T.
Other names: short protein forms M298I.
Identifiers: ClinVar variation 4740683 (VCV004740683.1).
Genomic context (GRCh38, chr14:20,447,496, plus strand): 5'-AGAATCACTGAGTGGGGTCCTGTGTCCAGCCCGAAACATCTCCCAGCCAGCCTGGGCTAT[C>T]ATCGCTCCATTGTCAATACAGAATCTGGGATGCAAGAGAGATGAAAATTGGGATCTAAGG-3'
Protein context (NP_060277.1, residues 288-308): DERFCIDNGA[Met298Ile]IAQAGWEMFR